The following is an entry in ClinVar:

ClinVar aggregate classification (germline): Uncertain significance (1 of 4 stars; one submission).

Submission:

GeneDx
Classification: Uncertain significance. Last evaluated: 2023-02-22. Review status: criteria provided, single submitter. Criteria: GeneDx Variant Classification Process June 2021. Collection method: clinical testing. Allele origin: germline. Affected: yes.
Comment: Not observed at significant frequency in large population cohorts (gnomAD); In silico analysis supports that this missense variant has a deleterious effect on protein structure/function; Has not been previously published as pathogenic or benign to our knowledge

NM_001205293.3(CACNA1E):c.6803C>T (p.Ser2268Leu)

Gene: CACNA1E (calcium voltage-gated channel subunit alpha1 E; plus strand). Cytogenetic location: 1q25.3.
Variant type: single nucleotide variant.
Coding change: c.6803C>T on transcript NM_001205293.3 (MANE Select); coding-DNA position 6803, C replaced by T.
Protein change: p.Ser2268Leu; replaces serine 2268 with leucine.
Molecular consequence: missense variant.
Genome position (GRCh38, 1-based): chr1:181,798,695, C>T. VCF-style: chr1-181798695-C-T. GRCh37 (hg19) VCF-style: chr1-181767831-C-T.
Other names: c.6674C>T, p.Ser2225Leu (NM_000721.4); c.6617C>T, p.Ser2206Leu (NM_001205294.2); short protein forms S2206L, S2225L, S2268L.
Identifiers: ClinVar variation 2577609 (VCV002577609.1), dbSNP rs1662037876, ClinGen allele CA343845554.